The following is an entry in ClinVar:

ClinVar aggregate classification (germline): Benign (1 of 4 stars; one submission).

Conditions:
Hereditary spastic paraplegia 33. Also called: SPASTIC PARAPLEGIA 33, AUTOSOMAL DOMINANT. Identifiers: MedGen C1853251, MONDO:0012448, OMIM 610244.

Allele frequency attached by ClinVar (database versions not stated): gnomAD exomes 0.00114; 1000 Genomes Project 0.01198; 1000 Genomes Project 30x 0.01265; gnomAD 0.01288 and 0.01385; TOPMed 0.01401.
gnomAD v4.1: 1,947 of 154,178 alleles (1.3%); highest among the groups gnomAD compares: African/African-American, 4.5%; 37 homozygotes.

Submission:

Illumina Laboratory Services, Illumina
Classification: Benign for Hereditary spastic paraplegia 33. Last evaluated: 2018-01-13. Review status: criteria provided, single submitter. Criteria: ICSL Variant Classification Criteria 13 December 2019. Collection method: clinical testing. Allele origin: germline.
Comment: This variant was observed in the ICSL laboratory as part of a predisposition screen in an ostensibly healthy population. It had not been previously curated by ICSL or reported in the Human Gene Mutation Database (HGMD: prior to June 1st, 2018), and was therefore a candidate for classification through an automated scoring system. Utilizing variant allele frequency, disease prevalence and penetrance estimates, and inheritance mode, an automated score was calculated to assess if this variant is too frequent to cause the disease. Based on the score and internal cut-off values, a variant classified as benign is not then subjected to further curation. The score for this variant resulted in a classification of benign for this disease.

NM_001385875.1(ZFYVE27):c.*733A>G

Gene: ZFYVE27 (zinc finger FYVE-type containing 27; plus strand). Cytogenetic location: 10q24.2.
Variant type: single nucleotide variant.
Coding change: c.*733A>G on transcript NM_001385875.1 (MANE Select); 733 bases downstream of the stop codon, A replaced by G.
Molecular consequence: 3 prime UTR variant. On other transcripts: non-coding transcript variant (17).
Genome position (GRCh38, 1-based): chr10:97,760,033, A>G. VCF-style: chr10-97760033-A-G. GRCh37 (hg19) VCF-style: chr10-99519790-A-G.
Other names: c.*733A>G (NM_001002261.4, NM_001002262.4, NM_001174119.2 and 39 more transcripts).
Identifiers: ClinVar variation 878911 (VCV000878911.4), dbSNP rs74809305, ClinGen allele CA212697664.
Genomic context (GRCh38, chr10:97,760,033, plus strand): 5'-GCCCCAATAGCTGGACAGACCTCGGCCTCCCCTCGAAGACACCTCAATTCACAGACTCTC[A>G]GCCCACACAATGCCCCAGTGTCCCCAGCTCCGCTGGAGCAGCTGCAGGGCACTTGGATCA-3'